The following is an entry in ClinVar:

ClinVar aggregate classification (germline): Benign. Review status: criteria provided, multiple submitters, no conflicts (2 of 4 stars). 2 submissions from 2 submitters: Benign (2). Last evaluated 2018-06-14.

Allele frequency attached by ClinVar (database versions not stated): 1000 Genomes Project 30x 0.21315; 1000 Genomes Project 0.21665; gnomAD 0.24571 and 0.24931; TOPMed 0.24678.
gnomAD v4.1: 37,461 of 152,020 alleles (25%); highest among the groups gnomAD compares: Middle Eastern, 30%; 4,711 homozygotes.

Submissions (2):

GeneDx
Classification: Benign. Last evaluated: 2018-06-14. Review status: criteria provided, single submitter. Criteria: GeneDx Variant Classification (06012015). Collection method: clinical testing. Allele origin: germline. Affected: yes.
Comment: This variant is considered likely benign or benign based on one or more of the following criteria: it is a conservative change, it occurs at a poorly conserved position in the protein, it is predicted to be benign by multiple in silico algorithms, and/or has population frequency not consistent with disease.

Breakthrough Genomics
Classification: Benign. Review status: criteria provided, single submitter. Criteria: ACMG Guidelines, 2015. Collection method: not provided. Allele origin: germline. Inheritance: Autosomal dominant inheritance. Affected: yes.

NM_001098511.3(KIF2A):c.709+185C>T

Gene: KIF2A (kinesin family member 2A; plus strand). Cytogenetic location: 5q12.1.
Variant type: single nucleotide variant.
Coding change: c.709+185C>T on transcript NM_001098511.3 (MANE Select); 185 bases into the intron after coding-DNA position 709, C replaced by T.
Molecular consequence: intron variant.
Genome position (GRCh38, 1-based): chr5:62,357,930, C>T. VCF-style: chr5-62357930-C-T. GRCh37 (hg19) VCF-style: chr5-61653757-C-T.
Other names: c.628+185C>T (NM_001243952.2); c.709+185C>T (NM_004520.5); c.652+185C>T (NM_001243953.2).
Identifiers: ClinVar variation 682871 (VCV000682871.2), dbSNP rs35008, ClinGen allele CA16229174.
Genomic context (GRCh38, chr5:62,357,930, plus strand): 5'-TTATGCAGATTTCTATGGCTAAACTTGTCAGTTTGTTATTGCTCTGAATCATTGCCATTC[C>T]GAGTCTTGCTTCACAGAAATCTTGATTTTGTTTTTACTTTGCTGTTGAAATATTTTGTCT-3'